The following is an entry in ClinVar:

NM_000188.3(HK1):c.2304C>T (p.Phe768=)

Gene: HK1 (hexokinase 1; plus strand). Cytogenetic location: 10q22.1.
Variant type: single nucleotide variant.
Coding change: c.2304C>T on transcript NM_000188.3 (MANE Select); coding-DNA position 2304, C replaced by T.
Protein change: p.Phe768=; no amino-acid change (phenylalanine 768 retained).
Molecular consequence: synonymous variant.
Genome position (GRCh38, 1-based): chr10:69,395,034, C>T. VCF-style: chr10-69395034-C-T. GRCh37 (hg19) VCF-style: chr10-71154790-C-T.
Other names: p.Phe767=; c.2301C>T (NM_033496.2); c.2316C>T, p.Phe772= (NM_001322364.2, NM_001358263.1, NM_033497.3 and 1 more transcripts); c.2409C>T, p.Phe803= (NM_001322365.2); c.2220C>T, p.Phe740= (NM_001322366.1); c.2208C>T, p.Phe736= (NM_001322367.1); c.2301C>T, p.Phe767= (NM_033496.3); c.2268C>T, p.Phe756= (NM_033500.2); and 1 more.
Identifiers: ClinVar variation 1138323 (VCV001138323.11), dbSNP rs770824752, ClinGen allele CA5532826.

ClinVar aggregate classification (germline): Conflicting classifications of pathogenicity. Review status: criteria provided, conflicting classifications (1 of 4 stars). 3 submissions from 3 submitters: Uncertain significance (1); Likely benign (2). Last evaluated 2026-05-13.

Conditions:
HK1-related disorder. Also called: HK1-related condition; HK1-related disorders.

Allele frequency attached by ClinVar (database versions not stated): gnomAD 0.00001; ExAC 0.00002; gnomAD exomes 0.00002 and 0.00003; TOPMed 0.00002.
gnomAD v4.1: 49 of 1,613,926 alleles (0.003%); highest among the groups gnomAD compares: Middle Eastern, 0.033%; no homozygotes.

Submissions (3):

PreventionGenetics, part of Exact Sciences
Classification: Likely benign for HK1-related condition. Last evaluated: 2026-05-13. Review status: criteria provided, single submitter. Criteria: ACMG Guidelines, 2015. Collection method: clinical testing. Allele origin: germline.
Comment: This variant is classified as likely benign based on ACMG/AMP sequence variant interpretation guidelines (Richards et al. 2015 PMID: 25741868, with internal and published modifications).

Labcorp Genetics (formerly Invitae), Labcorp
Classification: Likely benign. Last evaluated: 2025-03-31. Review status: criteria provided, single submitter. Criteria: Invitae Variant Classification Sherloc (09022015). Collection method: clinical testing. Allele origin: germline.

Mayo Clinic Laboratories, Mayo Clinic
Classification: Uncertain significance. Last evaluated: 2022-10-20. Review status: criteria provided, single submitter. Criteria: ACMG Guidelines, 2015. Collection method: clinical testing. Allele origin: germline. Observed: 1 variant allele.
Comment: BP4, PM2